The following is an entry in ClinVar:

ClinVar aggregate classification (germline): Uncertain significance (1 of 4 stars; one submission).

Submission:

Women's Health and Genetics/Laboratory Corporation of America, LabCorp
Classification: Uncertain significance. Last evaluated: 2024-05-22. Review status: criteria provided, single submitter. Criteria: LabCorp Variant Classification Summary - May 2015. Collection method: clinical testing. Allele origin: germline.
Comment: Variant summary: ETFDH c.949C>A (p.Pro317Thr) results in a non-conservative amino acid change located in the ETF-QO/FixC, ubiquinone-binding domain (IPR049398) of the encoded protein sequence. Four of five in-silico tools predict a damaging effect of the variant on protein function. The variant was absent in 251396 control chromosomes (gnomAD). The available data on variant occurrences in the general population are insufficient to allow any conclusion about variant significance. c.949C>A has been reported in the literature in at least an individual affected with multiple acyl-CoA dehydrogenase deficiency (example: Xi_2014). These report(s) do not provide unequivocal conclusions about association of the variant with Glutaric Aciduria, Type 2c. To our knowledge, no experimental evidence demonstrating an impact on protein function has been reported. The following publication has been ascertained in the context of this evaluation (PMID: 24357026). No submitters have cited clinical-significance assessments for this variant to ClinVar. Based on the evidence outlined above, the variant was classified as uncertain significance.

Literature cited by the submitters: PubMed 24357026.

NM_004453.4(ETFDH):c.949C>A (p.Pro317Thr)

Gene: ETFDH (electron transfer flavoprotein dehydrogenase; plus strand). Cytogenetic location: 4q32.1.
Variant type: single nucleotide variant.
Coding change: c.949C>A on transcript NM_004453.4 (MANE Select); coding-DNA position 949, C replaced by A.
Protein change: p.Pro317Thr; replaces proline 317 with threonine.
Molecular consequence: missense variant.
Genome position (GRCh38, 1-based): chr4:158,697,676, C>A. VCF-style: chr4-158697676-C-A. GRCh37 (hg19) VCF-style: chr4-159618828-C-A.
Other names: c.808C>A, p.Pro270Thr (NM_001281737.2); c.766C>A, p.Pro256Thr (NM_001281738.1); short protein forms P256T, P270T, P317T.
Identifiers: ClinVar variation 3336440 (VCV003336440.1).